The following is an entry in ClinVar:

NM_001089.3(ABCA3):c.4236C>T (p.Phe1412=)

Gene: ABCA3 (ATP binding cassette subfamily A member 3; minus strand). Cytogenetic location: 16p13.3.
Variant type: single nucleotide variant.
Coding change: c.4236C>T on transcript NM_001089.3 (MANE Select); coding-DNA position 4236, C replaced by T.
Protein change: p.Phe1412=; no amino-acid change (phenylalanine 1412 retained).
Molecular consequence: synonymous variant.
Genome position (GRCh38, 1-based): chr16:2,281,150, G>A on the plus strand (C>T on the coding strand, the complement: ABCA3 is on the minus strand). VCF-style: chr16-2281150-G-A. GRCh37 (hg19) VCF-style: chr16-2331151-G-A.
Identifiers: ClinVar variation 2909847 (VCV002909847.17), dbSNP rs778378721, ClinGen allele CA7840196.

ClinVar aggregate classification (germline): Likely benign. Review status: criteria provided, multiple submitters, no conflicts (2 of 4 stars). 2 submissions from 2 submitters: Likely benign (2). Last evaluated 2024-10-01.

Allele frequency attached by ClinVar (database versions not stated): gnomAD exomes 0.00001.
gnomAD v4.1: 16 of 1,613,748 alleles (0.00099%); highest among the groups gnomAD compares: Admixed American, 0.0033%; no homozygotes.

Submissions (2):

CeGaT Center for Human Genetics Tuebingen
Classification: Likely benign. Last evaluated: 2024-10-01. Review status: criteria provided, single submitter. Criteria: CeGaT Center For Human Genetics Tuebingen Variant Classification Criteria Version 2. Collection method: clinical testing. Allele origin: germline. Affected: yes. Observed: 1 variant allele.
Comment: ABCA3: BP4, BP7

Labcorp Genetics (formerly Invitae), Labcorp
Classification: Likely benign. Last evaluated: 2024-02-06. Review status: criteria provided, single submitter. Criteria: Invitae Variant Classification Sherloc (09022015). Collection method: clinical testing. Allele origin: germline.